The following is an entry in ClinVar:

NM_021729.6(VPS11):c.533A>G (p.Lys178Arg)

Gene: VPS11 (VPS11 core subunit of CORVET and HOPS complexes; plus strand). Cytogenetic location: 11q23.3.
Variant type: single nucleotide variant.
Coding change: c.533A>G on transcript NM_021729.6 (MANE Select); coding-DNA position 533, A replaced by G.
Protein change: p.Lys178Arg; replaces lysine 178 with arginine.
Molecular consequence: missense variant. On other transcripts: non-coding transcript variant (8).
Genome position (GRCh38, 1-based): chr11:119,070,294, A>G. VCF-style: chr11-119070294-A-G. GRCh37 (hg19) VCF-style: chr11-118941004-A-G.
Other names: c.503A>G, p.Lys168Arg (NM_001290185.2); c.545A>G, p.Lys182Arg (NM_001378218.1); c.533A>G, p.Lys178Arg (NM_001378219.1, NM_001378220.1); c.515A>G, p.Lys172Arg (NM_001378221.1); short protein forms K168R, K172R, K178R, K182R.
Identifiers: ClinVar variation 2417322 (VCV002417322.3), dbSNP rs782223607, ClinGen allele CA6313214.

ClinVar aggregate classification (germline): Uncertain significance (1 of 4 stars; one submission).

Allele frequency attached by ClinVar (database versions not stated): ExAC 0.00001; gnomAD exomes 0.00001.

Submission:

Labcorp Genetics (formerly Invitae), Labcorp
Classification: Uncertain significance. Last evaluated: 2022-05-20. Review status: criteria provided, single submitter. Criteria: Invitae Variant Classification Sherloc (09022015). Collection method: clinical testing. Allele origin: germline.
Comment: This sequence change replaces lysine, which is basic and polar, with arginine, which is basic and polar, at codon 178 of the VPS11 protein (p.Lys178Arg). This variant is present in population databases (rs782223607, gnomAD 0.002%). This variant has not been reported in the literature in individuals affected with VPS11-related conditions. Experimental studies and prediction algorithms are not available or were not evaluated, and the functional significance of this variant is currently unknown. In summary, the available evidence is currently insufficient to determine the role of this variant in disease. Therefore, it has been classified as a Variant of Uncertain Significance.